The following is an entry in ClinVar:

NM_006767.4(LZTR1):c.606del (p.Met202fs)

Gene: LZTR1 (leucine zipper like post translational regulator 1; plus strand). Cytogenetic location: 22q11.21.
Variant type: Deletion.
Coding change: c.606del on transcript NM_006767.4 (MANE Select); coding-DNA position 606, one base deleted (G; older notation c.606delG).
Protein change: p.Met202fs; shifts the reading frame from methionine 202.
Molecular consequence: frameshift variant.
Genome position (GRCh38, 1-based): chr22:20,989,637, G deleted. VCF-style (leftmost placement, unchanged base first): chr22-20989636-TG-T. GRCh37 (hg19) VCF-style: chr22-21343925-TG-T.
Other names: short protein forms M202fs.
Identifiers: ClinVar variation 3238315 (VCV003238315.1), dbSNP rs2518614871.

ClinVar aggregate classification (germline): Pathogenic (1 of 4 stars; one submission).

Conditions:
Hereditary cancer-predisposing syndrome. Also called: Neoplastic Syndromes, Hereditary; Tumor predisposition; Hereditary neoplastic syndrome; Hereditary Cancer Syndrome. Identifiers: Orphanet 140162, MedGen C0027672, MeSH D009386, MONDO:0015356.
Cardiovascular phenotype. Identifiers: MedGen CN230736.

Submission:

Ambry Genetics
Classification: Pathogenic for Cardiovascular phenotype; Hereditary cancer-predisposing syndrome. Last evaluated: 2024-01-08. Review status: criteria provided, single submitter. Criteria: Ambry Variant Classification Scheme 2023. Collection method: clinical testing. Allele origin: germline.
Comment: The c.606delG variant, located in coding exon 7 of the LZTR1 gene, results from a deletion of one nucleotide at nucleotide position 606, causing a translational frameshift with a predicted alternate stop codon (p.M202Ifs*50). This variant is considered to be rare based on population cohorts in the Genome Aggregation Database (gnomAD). Loss-of-function variants in LZTR1 are related to an increased risk for schwannomas and autosomal recessive Noonan syndrome; however, such associations with autosomal dominant Noonan syndrome have not been observed (Piotrowski A et al. Nat Genet. 2014 Feb;46:182-7; Yamamoto GL et al. J Med Genet. 2015 Jun;52:413-21; Johnston JJ et al. Genet Med. 2018 10;20:1175-1185). This alteration is expected to result in loss of function by premature protein truncation or nonsense-mediated mRNA decay. Based on the supporting evidence, this variant is pathogenic for an increased risk of LZTR1-related schwannomatosis (SWN) and would be expected to cause autosomal recessive Noonan syndrome when present along with a second pathogenic or likely pathogenic variant on the other allele; however, the association of this alteration with autosomal dominant Noonan syndrome is unlikely.